The following is an entry in ClinVar:

NM_015175.3(NBEAL2):c.3665A>C (p.Gln1222Pro)

Gene: NBEAL2 (neurobeachin like 2; plus strand). Cytogenetic location: 3p21.31.
Variant type: single nucleotide variant.
Coding change: c.3665A>C on transcript NM_015175.3 (MANE Select); coding-DNA position 3665, A replaced by C.
Protein change: p.Gln1222Pro; replaces glutamine 1222 with proline.
Molecular consequence: missense variant.
Genome position (GRCh38, 1-based): chr3:46,999,436, A>C. VCF-style: chr3-46999436-A-C. GRCh37 (hg19) VCF-style: chr3-47040926-A-C.
Other names: p.Gln1222Pro; c.3563A>C, p.Gln1188Pro (NM_001365116.2); short protein forms Q1222P, Q1188P.
Identifiers: ClinVar variation 3403000 (VCV003403000.2).
Genomic context (GRCh38, chr3:46,999,436, plus strand): 5'-TGCGGGAGTGTGGTCTCCAGGGTCTGGTTGCCTGCTTGCCTGAGGGGACTGTTTCCCCCC[A>C]GCTCTGCCAGGGCCTCTACAAGCTGTTCCTGGGGGCAGGTACAACCTGGTTAAGGCCAAG-3'
Protein context (NP_055990.1, residues 1212-1232): ACLPEGTVSP[Gln1222Pro]LCQGLYKLFL

ClinVar aggregate classification (germline): Uncertain significance. Review status: criteria provided, multiple submitters, no conflicts (2 of 4 stars). 2 submissions from 2 submitters: Uncertain significance (2). Last evaluated 2025-04-08.

Conditions:
Inborn genetic diseases. Identifiers: MedGen C0950123, MeSH D030342.

gnomAD v4.1: 28 of 1,585,476 alleles (0.0018%); highest among the groups gnomAD compares: African/African-American, 0.036%; no homozygotes.

Submissions (2):

Mayo Clinic Laboratories, Mayo Clinic
Classification: Uncertain significance. Last evaluated: 2025-04-08. Review status: criteria provided, single submitter. Criteria: ACMG Guidelines, 2015. Collection method: clinical testing. Allele origin: germline. Observed: 1 variant allele.
Comment: BP4_moderate

Ambry Genetics
Classification: Uncertain significance for Inborn genetic diseases. Last evaluated: 2024-06-26. Review status: criteria provided, single submitter. Criteria: Ambry Variant Classification Scheme 2023. Collection method: clinical testing. Allele origin: germline.